The following is an entry in ClinVar:

ClinVar aggregate classification (germline): Uncertain significance (1 of 4 stars; one submission).

Conditions:
Developmental and epileptic encephalopathy, 12 (DEE12). Identifiers: MedGen C3150988, MONDO:0013389, OMIM 613722.

gnomAD v4.1: 2 of 1,613,986 alleles (0.00012%); highest among the groups gnomAD compares: African/African-American, 0.0013%; no homozygotes.

Submission:

Labcorp Genetics (formerly Invitae), Labcorp
Classification: Uncertain significance for Developmental and epileptic encephalopathy, 12. Last evaluated: 2021-01-13. Review status: criteria provided, single submitter. Criteria: Invitae Variant Classification Sherloc (09022015). Collection method: clinical testing. Allele origin: germline.
Comment: In summary, the available evidence is currently insufficient to determine the role of this variant in disease. Therefore, it has been classified as a Variant of Uncertain Significance. Algorithms developed to predict the effect of missense changes on protein structure and function (SIFT, PolyPhen-2, Align-GVGD) all suggest that this variant is likely to be tolerated, but these predictions have not been confirmed by published functional studies and their clinical significance is uncertain. This variant has not been reported in the literature in individuals with PLCB1-related conditions. This variant is not present in population databases (ExAC no frequency). This sequence change replaces glutamic acid with aspartic acid at codon 1149 of the PLCB1 protein (p.Glu1149Asp). The glutamic acid residue is moderately conserved and there is a small physicochemical difference between glutamic acid and aspartic acid.

NM_015192.4(PLCB1):c.3447A>C (p.Glu1149Asp)

Gene: PLCB1 (phospholipase C beta 1; plus strand). Cytogenetic location: 20p12.3.
Variant type: single nucleotide variant.
Coding change: c.3447A>C on transcript NM_015192.4 (MANE Select); coding-DNA position 3447, A replaced by C.
Protein change: p.Glu1149Asp; replaces glutamic acid 1149 with aspartic acid.
Molecular consequence: missense variant. On other transcripts: 3 prime UTR variant (1).
Genome position (GRCh38, 1-based): chr20:8,881,645, A>C. VCF-style: chr20-8881645-A-C. GRCh37 (hg19) VCF-style: chr20-8862292-A-C.
Other names: c.*43A>C (NM_182734.3); short protein forms E1149D.
Identifiers: ClinVar variation 1040575 (VCV001040575.9), dbSNP rs142432676, ClinGen allele CA408262899.